The following is an entry in ClinVar:

NM_004963.4(GUCY2C):c.310G>A (p.Asp104Asn)

Genes: GUCY2C (guanylate cyclase 2C; minus strand), GUCY2C-AS1 (GUCY2C antisense RNA 1; plus strand). Cytogenetic location: 12p12.3.
Variant type: single nucleotide variant.
Coding change: c.310G>A on transcript NM_004963.4 (MANE Select); coding-DNA position 310, G replaced by A.
Protein change: p.Asp104Asn; replaces aspartic acid 104 with asparagine.
Molecular consequence: missense variant.
Genome position (GRCh38, 1-based): chr12:14,687,971, C>T on the plus strand (G>A on the coding strand, the complement: GUCY2C is on the minus strand). VCF-style: chr12-14687971-C-T. GRCh37 (hg19) VCF-style: chr12-14840905-C-T.
Other names: short protein forms D104N.
Identifiers: ClinVar variation 2463911 (VCV002463911.6), dbSNP rs574123077, ClinGen allele CA6463787.

ClinVar aggregate classification (germline): Uncertain significance. Review status: criteria provided, multiple submitters, no conflicts (2 of 4 stars). 3 submissions from 3 submitters: Uncertain significance (3). Last evaluated 2025-09-29.

Conditions:
Inborn genetic diseases. Identifiers: MedGen C0950123, MeSH D030342.

Allele frequency attached by ClinVar (database versions not stated): 1000 Genomes Project 30x 0.00016; ExAC 0.00001; TOPMed 0.00005; 1000 Genomes Project 0.00020; gnomAD 0.00006.
gnomAD v4.1: 62 of 1,609,834 alleles (0.0039%); highest among the groups gnomAD compares: Admixed American, 0.013%; 1 homozygote.

Submissions (3):

Labcorp Genetics (formerly Invitae), Labcorp
Classification: Uncertain significance. Last evaluated: 2025-09-29. Review status: criteria provided, single submitter. Criteria: Invitae Variant Classification Sherloc (09022015). Collection method: clinical testing. Allele origin: germline.
Comment: This sequence change replaces aspartic acid, which is acidic and polar, with asparagine, which is neutral and polar, at codon 104 of the GUCY2C protein (p.Asp104Asn). This variant is present in population databases (rs574123077, gnomAD 0.006%). This variant has not been reported in the literature in individuals affected with GUCY2C-related conditions. ClinVar contains an entry for this variant (Variation ID: 2463911). Invitae Evidence Modeling of protein sequence and biophysical properties (such as structural, functional, and spatial information, amino acid conservation, physicochemical variation, residue mobility, and thermodynamic stability) indicates that this missense variant is not expected to disrupt GUCY2C protein function with a negative predictive value of 80%. In summary, the available evidence is currently insufficient to determine the role of this variant in disease. Therefore, it has been classified as a Variant of Uncertain Significance.

Ambry Genetics
Classification: Uncertain significance for Inborn genetic diseases. Last evaluated: 2023-02-14. Review status: criteria provided, single submitter. Criteria: Ambry Variant Classification Scheme 2023. Collection method: clinical testing. Allele origin: germline.

Breakthrough Genomics
Classification: Uncertain significance. Review status: criteria provided, single submitter. Criteria: ACMG Guidelines, 2015. Collection method: not provided. Allele origin: germline. Inheritance: Autosomal recessive inheritance. Affected: yes.